The following is an entry in ClinVar:

ClinVar aggregate classification (germline): Benign. Review status: criteria provided, multiple submitters, no conflicts (2 of 4 stars). 3 submissions from 3 submitters: Benign (3). Last evaluated 2025-10-01.

Allele frequency attached by ClinVar (database versions not stated): 1000 Genomes Project 30x 0.00156; 1000 Genomes Project 0.00200; TOPMed 0.00622; gnomAD exomes 0.00655 and 0.00973; ExAC 0.00689; gnomAD 0.00719 and 0.00740; ESP Exome Variant Server 0.00930.
gnomAD v4.1: 15,149 of 1,613,942 alleles (0.94%); highest among the groups gnomAD compares: Non-Finnish European, 1.1%; 116 homozygotes.

Submissions (3):

CeGaT Center for Human Genetics Tuebingen
Classification: Benign. Last evaluated: 2025-10-01. Review status: criteria provided, single submitter. Criteria: CeGaT Center For Human Genetics Tuebingen Variant Classification Criteria Version 2. Collection method: clinical testing. Allele origin: germline. Affected: yes. Observed: 1 variant allele.
Comment: PTPN3: BP4, BP7, BS1, BS2

Labcorp Genetics (formerly Invitae), Labcorp
Classification: Benign. Last evaluated: 2019-12-31. Review status: criteria provided, single submitter. Criteria: Invitae Variant Classification Sherloc (09022015). Collection method: clinical testing. Allele origin: germline.

Breakthrough Genomics
Classification: Benign. Review status: criteria provided, single submitter. Criteria: ACMG Guidelines, 2015. Collection method: not provided. Allele origin: germline. Inheritance: Unknown mechanism. Affected: yes.

NM_002829.4(PTPN3):c.2145C>T (p.Ile715=)

Gene: PTPN3 (protein tyrosine phosphatase non-receptor type 3; minus strand). Cytogenetic location: 9q31.3.
Variant type: single nucleotide variant.
Coding change: c.2145C>T on transcript NM_002829.4 (MANE Select); coding-DNA position 2145, C replaced by T.
Protein change: p.Ile715=; no amino-acid change (isoleucine 715 retained).
Molecular consequence: synonymous variant. On other transcripts: non-coding transcript variant (1).
Genome position (GRCh38, 1-based): chr9:109,389,341, G>A on the plus strand (C>T on the coding strand, the complement: PTPN3 is on the minus strand). VCF-style: chr9-109389341-G-A. GRCh37 (hg19) VCF-style: chr9-112151621-G-A.
Other names: c.2010C>T, p.Ile670= (NM_001145368.2); c.1752C>T, p.Ile584= (NM_001145369.2); c.1617C>T, p.Ile539= (NM_001145370.2); c.1284C>T, p.Ile428= (NM_001145371.2); c.1149C>T, p.Ile383= (NM_001145372.2).
Identifiers: ClinVar variation 707948 (VCV000707948.11), dbSNP rs140802922, ClinGen allele CA5178687.
Genomic context (GRCh38, chr9:109,389,341, plus strand): 5'-CTGATCCCAGACAACCTGCCAAAACTGTGCACAGGTATGCGGCAGGGGCCCCTGAGTGGC[G>A]ATGTACTTGTTCACAAGGTTAGCAGCAGGAATTTCCATCTGGTAAGAAATTGGTAAAGTA-3'
Protein context (NP_002820.3, residues 705-725): IPAANLVNKY[Ile715=]ATQGPLPHTC